The following is an entry in ClinVar:

NM_017780.4(CHD7):c.57A>C (p.Glu19Asp)

Gene: CHD7 (chromodomain helicase DNA binding protein 7; plus strand). Cytogenetic location: 8q12.2.
Variant type: single nucleotide variant.
Coding change: c.57A>C on transcript NM_017780.4 (MANE Select); coding-DNA position 57, A replaced by C.
Protein change: p.Glu19Asp; replaces glutamic acid 19 with aspartic acid.
Molecular consequence: missense variant.
Genome position (GRCh38, 1-based): chr8:60,741,489, A>C. VCF-style: chr8-60741489-A-C. GRCh37 (hg19) VCF-style: chr8-61654048-A-C.
Other names: c.57A>C, p.Glu19Asp (NM_001316690.1); short protein forms E19D.
Identifiers: ClinVar variation 834219 (VCV000834219.8), dbSNP rs1809004250, ClinGen allele CA371295278.

ClinVar aggregate classification (germline): Uncertain significance (1 of 4 stars; one submission).

Conditions:
CHARGE syndrome (CHARGE). Also called: Hittner Hirsch Kreh syndrome; CHARGE ASSOCIATION--COLOBOMA, HEART ANOMALY, CHOANAL ATRESIA, RETARDATION, GENITAL AND EAR ANOMALIES; Coloboma, heart anomaly, choanal atresia, retardation, genital and ear anomalies; CHARGE association; Hall-Hittner syndrome. Identifiers: Orphanet 138, MedGen C0265354, MONDO:0008965.

Submission:

Labcorp Genetics (formerly Invitae), Labcorp
Classification: Uncertain significance for CHARGE syndrome. Last evaluated: 2025-10-06. Review status: criteria provided, single submitter. Criteria: Invitae Variant Classification Sherloc (09022015). Collection method: clinical testing. Allele origin: germline.
Comment: This sequence change replaces glutamic acid, which is acidic and polar, with aspartic acid, which is acidic and polar, at codon 19 of the CHD7 protein (p.Glu19Asp). This variant is not present in population databases (gnomAD no frequency). This variant has not been reported in the literature in individuals affected with CHD7-related conditions. ClinVar contains an entry for this variant (Variation ID: 834219). Invitae Evidence Modeling of protein sequence and biophysical properties (such as structural, functional, and spatial information, amino acid conservation, physicochemical variation, residue mobility, and thermodynamic stability) indicates that this missense variant is not expected to disrupt CHD7 protein function with a negative predictive value of 95%. In summary, the available evidence is currently insufficient to determine the role of this variant in disease. Therefore, it has been classified as a Variant of Uncertain Significance.